The following is an entry in ClinVar:

NM_130839.5(UBE3A):c.393del (p.Val130_Tyr131insTer)

Genes: SNHG14 (small nucleolar RNA host gene 14; plus strand), UBE3A (ubiquitin protein ligase E3A; minus strand). Cytogenetic location: 15q11.2.
Variant type: Deletion.
Coding change: c.393del on transcript NM_130839.5 (MANE Select); coding-DNA position 393, one base deleted (T; older notation c.393delT).
Protein change: p.Val130_Tyr131insTer.
Molecular consequence: nonsense. On other transcripts: non-coding transcript variant (1), intron variant (2).
Genome position (GRCh38, 1-based): chr15:25,371,781, A deleted on the plus strand (T on the coding strand, the reverse complement: UBE3A is on the minus strand). VCF-style (leftmost placement, unchanged base first): chr15-25371780-CA-C. GRCh37 (hg19) VCF-style: chr15-25616927-CA-C.
Other names: c.333delT (NM_130838.1); c.402del, p.Val133_Tyr134insTer (NM_000462.5); c.393del, p.Val130_Tyr131insTer (NM_001354505.1, NM_001354538.2, NM_001354545.2); c.333del, p.Val110_Tyr111insTer (NM_001354506.2, NM_001354507.2, NM_001354508.2 and 17 more transcripts); c.216del, p.Val71_Tyr72insTer (NM_001354546.2); c.301+3684del (NM_001354551.2); c.361+3684del (NM_001354550.2); c.333del (NM_130838.1).
Identifiers: ClinVar variation 817008 (VCV000817008.2), dbSNP rs1595816114, ClinGen allele CA915946484.

ClinVar aggregate classification (germline): Pathogenic (1 of 4 stars; one submission).

Submission:

GeneDx
Classification: Pathogenic. Last evaluated: 2024-05-23. Review status: criteria provided, single submitter. Criteria: GeneDx Variant Classification Process June 2021. Collection method: clinical testing. Allele origin: germline. Affected: yes.
Comment: Nonsense variant predicted to result in protein truncation or nonsense mediated decay in a gene for which loss-of-function is a known mechanism of disease; Not observed at significant frequency in large population cohorts (gnomAD); Has not been previously published as pathogenic or benign to our knowledge